The following is an entry in ClinVar:

NM_001127208.3(TET2):c.2614G>C (p.Val872Leu)

Genes: TET2 (tet methylcytosine dioxygenase 2; plus strand), TET2-AS1 (TET2 antisense RNA 1; minus strand). Cytogenetic location: 4q24.
Variant type: single nucleotide variant.
Coding change: c.2614G>C on transcript NM_001127208.3 (MANE Select); coding-DNA position 2614, G replaced by C.
Protein change: p.Val872Leu; replaces valine 872 with leucine.
Molecular consequence: missense variant.
Genome position (GRCh38, 1-based): chr4:105,236,556, G>C. VCF-style: chr4-105236556-G-C. GRCh37 (hg19) VCF-style: chr4-106157713-G-C.
Other names: c.2614G>C, p.Val872Leu (NM_017628.4); short protein forms V872L.
Identifiers: ClinVar variation 5030738 (VCV005030738.1).

ClinVar aggregate classification (germline): Uncertain significance (1 of 4 stars; one submission).

Submission:

Ambry Genetics
Classification: Uncertain significance. Last evaluated: 2026-08-07. Review status: criteria provided, single submitter. Criteria: Ambry Variant Classification Scheme 2023. Collection method: clinical testing. Allele origin: germline.
Comment: The p.V872L variant (also known as c.2614G>C), located in coding exon 1 of the TET2 gene, results from a G to C substitution at nucleotide position 2614. The valine at codon 872 is replaced by leucine, an amino acid with highly similar properties. This amino acid position is conserved. In addition, this alteration is predicted to be tolerated by in silico analysis. Based on the available evidence, the clinical significance of this variant remains unclear.